The following is an entry in ClinVar:

ClinVar aggregate classification (germline): Uncertain significance. Review status: criteria provided, multiple submitters, no conflicts (2 of 4 stars). 2 submissions from 2 submitters: Uncertain significance (2). Last evaluated 2025-04-02.

Conditions:
Desbuquois dysplasia 1 (DBQD1). Also called: DESBUQUOIS DYSPLASIA 1, KIM VARIANT; MICROMELIC DWARFISM WITH VERTEBRAL AND METAPHYSEAL ABNORMALITIES AND ADVANCED CARPOTARSAL OSSIFICATION. Identifiers: Orphanet 1425, MedGen C4012146, MONDO:0009629, OMIM 251450.
Inborn genetic diseases. Identifiers: MedGen C0950123, MeSH D030342.

Allele frequency attached by ClinVar (database versions not stated): gnomAD 0.00001; TOPMed 0.00001; ExAC 0.00004.
gnomAD v4.1: 44 of 1,614,006 alleles (0.0027%); highest among the groups gnomAD compares: Admixed American, 0.017%; no homozygotes.

Submissions (2):

Ambry Genetics
Classification: Uncertain significance for Inborn genetic diseases. Last evaluated: 2025-04-02. Review status: criteria provided, single submitter. Criteria: Ambry Variant Classification Scheme 2023. Collection method: clinical testing. Allele origin: germline.

Labcorp Genetics (formerly Invitae), Labcorp
Classification: Uncertain significance for Desbuquois dysplasia 1. Last evaluated: 2020-06-26. Review status: criteria provided, single submitter. Criteria: Invitae Variant Classification Sherloc (09022015). Collection method: clinical testing. Allele origin: germline.
Comment: In summary, the available evidence is currently insufficient to determine the role of this variant in disease. Therefore, it has been classified as a Variant of Uncertain Significance. Algorithms developed to predict the effect of missense changes on protein structure and function are either unavailable or do not agree on the potential impact of this missense change (SIFT: "Tolerated"; PolyPhen-2: "Possibly Damaging"; Align-GVGD: "Class C0"). This variant has not been reported in the literature in individuals with XYLT1-related conditions. This variant is present in population databases (rs748655641, ExAC 0.02%). This sequence change replaces arginine with histidine at codon 657 of the XYLT1 protein (p.Arg657His). The arginine residue is highly conserved and there is a small physicochemical difference between arginine and histidine.

NM_022166.4(XYLT1):c.1970G>A (p.Arg657His)

Genes: XYLT1 (xylosyltransferase 1; minus strand), LOC102723692 (uncharacterized LOC102723692; plus strand). Cytogenetic location: 16p12.3.
Variant type: single nucleotide variant.
Coding change: c.1970G>A on transcript NM_022166.4 (MANE Select); coding-DNA position 1970, G replaced by A.
Protein change: p.Arg657His; replaces arginine 657 with histidine.
Molecular consequence: missense variant. On other transcripts: non-coding transcript variant (1).
Genome position (GRCh38, 1-based): chr16:17,134,530, C>T on the plus strand (G>A on the coding strand, the complement: XYLT1 is on the minus strand). VCF-style: chr16-17134530-C-T. GRCh37 (hg19) VCF-style: chr16-17228387-C-T.
Other names: c.1970G>A (NM_022166.3); short protein forms R657H.
Identifiers: ClinVar variation 1026953 (VCV001026953.9), dbSNP rs748655641, ClinGen allele CA7927718.